The following is an entry in ClinVar:

NM_016222.4(DDX41):c.110_111del (p.Val37fs)

Gene: DDX41 (DEAD-box helicase 41; minus strand). Cytogenetic location: 5q35.3.
Variant type: Microsatellite.
Coding change: c.110_111del on transcript NM_016222.4 (MANE Select); coding-DNA positions 110 to 111, 2 bases deleted (TG; older notation c.110_111delTG).
Protein change: p.Val37fs; shifts the reading frame from valine 37.
Molecular consequence: frameshift variant. On other transcripts: 5 prime UTR variant (2).
Genome position (GRCh38, 1-based): chr5:177,516,752-177,516,753, CA deleted on the plus strand (TG on the coding strand, the reverse complement: DDX41 is on the minus strand); deleting any 2 consecutive bases within chr5:177,516,752-177,516,755 gives the same sequence; the c. name uses the placement nearest the transcript's 3' end. VCF-style (leftmost placement, unchanged base first): chr5-177516751-GCA-G. GRCh37 (hg19) VCF-style: chr5-176943752-GCA-G.
Other names: c.-548TG[1] (NM_001321732.2); c.-340TG[1] (NM_001321830.2); short protein forms V37fs.
Identifiers: ClinVar variation 4617201 (VCV004617201.1).
Genomic context (GRCh38, chr5:177,516,751, plus strand): 5'-CGGCCCCATCCCTCCCCGGACGCGTGCCCCTCACCAGTAGCTGCCGGCGCTGCCGTAACG[GCA>G]CATAGGGCACGTAGTCCTCGTCGTCCTCATCTTCCGCCTCGGAGCGGCTTCCTCCGGCAG-3'

ClinVar aggregate classification (germline): Pathogenic (1 of 4 stars; one submission).

Conditions:
Inborn genetic diseases. Identifiers: MedGen C0950123, MeSH D030342.

Submission:

Ambry Genetics
Classification: Pathogenic for Inborn genetic diseases. Last evaluated: 2025-12-04. Review status: criteria provided, single submitter. Criteria: Ambry Variant Classification Scheme 2023. Collection method: clinical testing. Allele origin: germline.
Comment: The c.110_111delTG pathogenic mutation, located in coding exon 2 of the DDX41 gene, results from a deletion of two nucleotides at nucleotide positions 110 to 111, causing a translational frameshift with a predicted alternate stop codon (p.V37Afs*31). This variant is considered to be rare based on population cohorts in the Genome Aggregation Database (gnomAD). This alteration is expected to result in loss of function by premature protein truncation or nonsense-mediated mRNA decay. As such, this alteration is interpreted as a disease-causing mutation.